The following is an entry in ClinVar:

NM_005068.3(SIM1):c.1201G>T (p.Asp401Tyr)

Genes: SIM1-AS1 (SIM1 antisense RNA 1; plus strand), SIM1 (SIM bHLH transcription factor 1; minus strand). Cytogenetic location: 6q16.3.
Variant type: single nucleotide variant.
Coding change: c.1201G>T on transcript NM_005068.3 (MANE Select); coding-DNA position 1201, G replaced by T.
Protein change: p.Asp401Tyr; replaces aspartic acid 401 with tyrosine.
Molecular consequence: missense variant. On other transcripts: non-coding transcript variant (1).
Genome position (GRCh38, 1-based): chr6:100,393,856, C>A on the plus strand (G>T on the coding strand, the complement: SIM1 is on the minus strand). VCF-style: chr6-100393856-C-A. GRCh37 (hg19) VCF-style: chr6-100841732-C-A.
Other names: c.1201G>T, p.Asp401Tyr (NM_001374769.1); short protein forms D401Y.
Identifiers: ClinVar variation 4995962 (VCV004995962.1).

ClinVar aggregate classification (germline): Uncertain significance (1 of 4 stars; one submission).

Conditions:
SIM1-related disorder. Also called: SIM1-related condition; SIM1-related disorders.

Submission:

PreventionGenetics, part of Exact Sciences
Classification: Uncertain significance for SIM1-related condition. Last evaluated: 2026-07-01. Review status: criteria provided, single submitter. Criteria: ACMG Guidelines, 2015. Collection method: clinical testing. Allele origin: germline.
Comment: The SIM1 c.1201G>T variant is predicted to result in the amino acid substitution p.Asp401Tyr. To our knowledge, this variant has not been reported in the literature or in a large population database (gnomAD), indicating this variant is rare. At this time, the clinical significance of this variant is uncertain due to the absence of conclusive functional and genetic evidence.